The following is an entry in ClinVar:

ClinVar aggregate classification (germline): Uncertain significance (1 of 4 stars; one submission).

Conditions:
Very long chain acyl-CoA dehydrogenase deficiency (ACADVLD). Also called: VLCAD Deficiency; Very Long-Chain Acyl-Coenzyme A Dehydrogenase Deficiency. Identifiers: Orphanet 26793, MedGen C3887523, MONDO:0008723, OMIM 201475.

Allele frequency attached by ClinVar (database versions not stated): gnomAD exomes 0.00001; ExAC 0.00002.

Submission:

Labcorp Genetics (formerly Invitae), Labcorp
Classification: Uncertain significance for Very long chain acyl-CoA dehydrogenase deficiency. Last evaluated: 2017-01-03. Review status: criteria provided, single submitter. Criteria: Invitae Variant Classification Sherloc (09022015). Collection method: clinical testing. Allele origin: germline.
Comment: In summary, this variant is a rare missense change that is not predicted to affect protein function. There is no indication that it causes disease, but the available evidence is currently insufficient to prove that conclusively. Therefore, it has been classified as a Variant of Uncertain Significance. Algorithms developed to predict the effect of missense changes on protein structure and function (SIFT, PolyPhen-2, Align-GVGD) all suggest that this variant is likely to be tolerated, but these predictions have not been confirmed by published functional studies. This variant is present in population databases (rs749332311, ExAC 0.003%) but has not been reported in the literature in individuals with a ACADVL-related disease. This sequence change replaces glutamine with histidine at codon 508 of the ACADVL protein (p.Gln508His). The glutamine residue is moderately conserved and there is a small physicochemical difference between glutamine and histidine.

NM_000018.4(ACADVL):c.1524G>C (p.Gln508His)

Gene: ACADVL (acyl-CoA dehydrogenase very long chain; plus strand). Cytogenetic location: 17p13.1.
Variant type: single nucleotide variant.
Coding change: c.1524G>C on transcript NM_000018.4 (MANE Select); coding-DNA position 1524, G replaced by C.
Protein change: p.Gln508His; replaces glutamine 508 with histidine.
Molecular consequence: missense variant.
Genome position (GRCh38, 1-based): chr17:7,224,235, G>C. VCF-style: chr17-7224235-G-C. GRCh37 (hg19) VCF-style: chr17-7127554-G-C.
Other names: c.1458G>C, p.Gln486His (NM_001033859.3); c.1593G>C, p.Gln531His (NM_001270447.2); c.1296G>C, p.Gln432His (NM_001270448.2); short protein forms Q508H, Q531H, Q432H, Q486H.
Identifiers: ClinVar variation 1043867 (VCV001043867.8), dbSNP rs749332311, ClinGen allele CA8338138.